The following is an entry in ClinVar:

NM_001733.7(C1R):c.1553A>T (p.Asp518Val)

Gene: C1R (complement C1r; minus strand). Cytogenetic location: 12p13.31.
Variant type: single nucleotide variant.
Coding change: c.1553A>T on transcript NM_001733.7 (MANE Select); coding-DNA position 1553, A replaced by T.
Protein change: p.Asp518Val; replaces aspartic acid 518 with valine.
Molecular consequence: missense variant.
Genome position (GRCh38, 1-based): chr12:7,081,097, T>A on the plus strand (A>T on the coding strand, the complement: C1R is on the minus strand). VCF-style: chr12-7081097-T-A. GRCh37 (hg19) VCF-style: chr12-7188401-T-A.
Other names: c.1595A>T, p.Asp532Val (NM_001354346.2); short protein forms D518V, D532V.
Identifiers: ClinVar variation 4975248 (VCV004975248.1).

ClinVar aggregate classification (germline): Uncertain significance (1 of 4 stars; one submission).

Submission:

GeneDx
Classification: Uncertain significance. Last evaluated: 2026-03-18. Review status: criteria provided, single submitter. Criteria: GeneDx Variant Classification Process June 2021. Collection method: clinical testing. Allele origin: germline.
Comment: Reported in an individual with clinical features of hypermobile Ehlers-Danlos syndrome and dysautonomia (Wilson G et al. (2020) Journal of Biosciences and Medicines. Vol.8 No.6); In silico analysis suggests that this missense variant does not alter protein structure/function; This variant is associated with the following publications: (PMID: Wilson2020[Article])